The following is an entry in ClinVar:

ClinVar aggregate classification (germline): Uncertain significance (1 of 4 stars; one submission).

Submission:

Labcorp Genetics (formerly Invitae), Labcorp
Classification: Uncertain significance. Last evaluated: 2024-02-24. Review status: criteria provided, single submitter. Criteria: Invitae Variant Classification Sherloc (09022015). Collection method: clinical testing. Allele origin: germline.
Comment: This sequence change replaces proline, which is neutral and non-polar, with alanine, which is neutral and non-polar, at codon 4064 of the ADGRV1 protein (p.Pro4064Ala). This variant is not present in population databases (gnomAD no frequency). This variant has not been reported in the literature in individuals affected with ADGRV1-related conditions. ClinVar contains an entry for this variant (Variation ID: 937326). Advanced modeling of protein sequence and biophysical properties (such as structural, functional, and spatial information, amino acid conservation, physicochemical variation, residue mobility, and thermodynamic stability) performed at Invitae indicates that this missense variant is not expected to disrupt ADGRV1 protein function with a negative predictive value of 95%. In summary, the available evidence is currently insufficient to determine the role of this variant in disease. Therefore, it has been classified as a Variant of Uncertain Significance.

NM_032119.4(ADGRV1):c.12190C>G (p.Pro4064Ala)

Gene: ADGRV1 (adhesion G protein-coupled receptor V1; plus strand). Cytogenetic location: 5q14.3.
Variant type: single nucleotide variant.
Coding change: c.12190C>G on transcript NM_032119.4 (MANE Select); coding-DNA position 12190, C replaced by G.
Protein change: p.Pro4064Ala; replaces proline 4064 with alanine.
Molecular consequence: missense variant. On other transcripts: non-coding transcript variant (1).
Genome position (GRCh38, 1-based): chr5:90,763,374, C>G. VCF-style: chr5-90763374-C-G. GRCh37 (hg19) VCF-style: chr5-90059191-C-G.
Other names: short protein forms P4064A.
Identifiers: ClinVar variation 937326 (VCV000937326.9), dbSNP rs1756723762, ClinGen allele CA360377799.
Genomic context (GRCh38, chr5:90,763,374, plus strand): 5'-GATGAATCCCTTTCATCCGATGACCCTGATTCATATGTGACATTGACGGTTGTCCGGTCC[C>G]CAGGAGGAAAAGGAACCGTCCGACTTGAGTGGACCATAGATGAGAAGGCTAAACATAACC-3'
Protein context (NP_115495.3, residues 4054-4074): SYVTLTVVRS[Pro4064Ala]GGKGTVRLEW